The following is an entry in ClinVar:

ClinVar aggregate classification (germline): Likely pathogenic. Review status: reviewed by expert panel (3 of 4 stars). 2 submissions from 2 submitters: Likely pathogenic (1). 1 of the submissions does not count toward it. Last evaluated 2024-05-09.

Conditions:
Hereditary factor VIII deficiency disease (HEMA). Also called: HEMOPHILIA, CLASSIC; Hemophilia A; Hemophilia A, congenital; HEM A; Factor 8 deficiency, congenital; AUTOSOMAL HEMOPHILIA A. Identifiers: Orphanet 98878, MedGen C0019069, MONDO:0010602, OMIM 306700.

Allele frequency attached by ClinVar (database versions not stated): TOPMed 0.00002.

Submissions (2):

ClinGen Coagulation Factor Deficiency Variant Curation Expert Panel, Clingen
Classification: Likely pathogenic for Hereditary factor VIII deficiency disease. Last evaluated: 2024-05-09. Review status: reviewed by expert panel. Criteria: ClinGen CoagFactor ACMG Specifications F8 V1.0.0. Collection method: curation. Allele origin: germline. Inheritance: X-linked inheritance.
Comment: The variant, NM_000132.3(F8):c.1214T>G causes a missense change, Ile405Ser, which is not reported in gnomAD v2.1.1 or v3 or v4. This variant has been reported in at least three patients with Hemophilia A in the literature (PS4_Moderate, PP4_Moderate, PMIDs: 8307558). The variant has a REVEL score of 0.985 (PP3 threshold >0.6). Another variant at the same codon, Ile405Thr, is curated by the Coagulation Factor Deficiency Variant Curation Expert Panel as likely pathogenic (PM5_Supporting). In summary, the clinical significance of this variant is likely pathogenic. ACMG/AMP criteria applied, as specified by the Coagulation Factor Deficiency Variant Curation Expert Panel for F8: PS4_Moderate, PP4_Moderate, PP3, PM2_Supporting, PM5_Supporting.

OMIM
Classification: Pathogenic for HEMOPHILIA A. Last evaluated: 1993-12-01. Review status: no assertion criteria provided. Collection method: literature only. Allele origin: germline. Not counted in ClinVar's aggregate classification.

Literature cited by the submitters: PubMed 8307558 (cited by OMIM).

NM_000132.4(F8):c.1214T>G (p.Ile405Ser)

Gene: F8 (coagulation factor VIII; minus strand). Cytogenetic location: Xq28.
Variant type: single nucleotide variant.
Coding change: c.1214T>G on transcript NM_000132.4 (MANE Select); coding-DNA position 1214, T replaced by G.
Protein change: p.Ile405Ser; replaces isoleucine 405 with serine.
Molecular consequence: missense variant.
Genome position (GRCh38, 1-based): chrX:154,966,483, A>C on the plus strand (T>G on the coding strand, the complement: F8 is on the minus strand). VCF-style: chrX-154966483-A-C. GRCh37 (hg19) VCF-style: chrX-154194758-A-C.
Other names: F8, ILE386SER; I386S; NM_000132.3(F8):c.1214T>G; short protein forms I405S.
Identifiers: ClinVar variation 10208 (VCV000010208.2), dbSNP rs28933670, ClinGen allele CA255098.